The following is an entry in ClinVar:

ClinVar aggregate classification (germline): Uncertain significance. Review status: criteria provided, multiple submitters, no conflicts (2 of 4 stars). 3 submissions from 3 submitters: Uncertain significance (3). Last evaluated 2024-10-15.

Conditions:
Cortical dysplasia-focal epilepsy syndrome (PTHSL1). Also called: Pitt-Hopkins-like syndrome 1. Identifiers: Orphanet 163681, Orphanet 221150, MedGen C2750246, MONDO:0012400, OMIM 610042.

Allele frequency attached by ClinVar (database versions not stated): gnomAD 0.00001; gnomAD exomes 0.00001 and 0.00002; ExAC 0.00002; TOPMed 0.00002.
gnomAD v4.1: 24 of 1,614,022 alleles (0.0015%); highest among the groups gnomAD compares: Middle Eastern, 0.016%; no homozygotes.

Submissions (3):

Labcorp Genetics (formerly Invitae), Labcorp
Classification: Uncertain significance for Cortical dysplasia-focal epilepsy syndrome. Last evaluated: 2024-10-15. Review status: criteria provided, single submitter. Criteria: Invitae Variant Classification Sherloc (09022015). Collection method: clinical testing. Allele origin: germline.
Comment: This sequence change replaces glycine, which is neutral and non-polar, with serine, which is neutral and polar, at codon 986 of the CNTNAP2 protein (p.Gly986Ser). This variant is present in population databases (rs751542883, gnomAD 0.006%). This variant has not been reported in the literature in individuals affected with CNTNAP2-related conditions. ClinVar contains an entry for this variant (Variation ID: 423900). An algorithm developed to predict the effect of missense changes on protein structure and function (PolyPhen-2) suggests that this variant is likely to be disruptive. In summary, the available evidence is currently insufficient to determine the role of this variant in disease. Therefore, it has been classified as a Variant of Uncertain Significance.

Blueprint Genetics
Classification: Uncertain significance. Last evaluated: 2023-12-21. Review status: criteria provided, single submitter. Criteria: ACMG Guidelines, 2015. Collection method: clinical testing. Allele origin: germline.

GeneDx
Classification: Uncertain significance. Last evaluated: 2017-03-01. Review status: criteria provided, single submitter. Criteria: GeneDx Variant Classification (06012015). Collection method: clinical testing. Allele origin: germline. Affected: yes.
Comment: A variant of uncertain significance has been identified in the CNTNAP2 gene. The G986S variant has not been published as a pathogenic variant, nor has it been reported as a benign variant to our knowledge. The G986S variant is not observed at a significant frequency in large population cohorts (Lek et al., 2016; 1000 Genomes Consortium et al., 2015; Exome Variant Server). The G986S variant is a non-conservative amino acid substitution, which is likely to impact secondary protein structure as these residues differ in polarity, charge, size and/or other properties. This substitution occurs at a position that is conserved across species, and in silico analysis predicts this variant is probably damaging to the protein structure/function. Based on the currently available information, it is unclear whether this variant is a pathogenic variant or a rare benign variant.

NM_014141.6(CNTNAP2):c.2956G>A (p.Gly986Ser)

Genes: CNTNAP2 (contactin associated protein 2; plus strand), LOC126860216 (BRD4-independent group 4 enhancer GRCh37_chr7:147868766-147869965; plus strand). Cytogenetic location: 7q35.
Variant type: single nucleotide variant.
Coding change: c.2956G>A on transcript NM_014141.6 (MANE Select); coding-DNA position 2956, G replaced by A.
Protein change: p.Gly986Ser; replaces glycine 986 with serine.
Molecular consequence: missense variant.
Genome position (GRCh38, 1-based): chr7:148,172,424, G>A. VCF-style: chr7-148172424-G-A. GRCh37 (hg19) VCF-style: chr7-147869516-G-A.
Other names: short protein forms G986S.
Identifiers: ClinVar variation 423900 (VCV000423900.8), dbSNP rs751542883, ClinGen allele CA4546508.
Genomic context (GRCh38, chr7:148,172,424, plus strand): 5'-CATTGCACCAGCTATGGAACAAACTGTGAAAATGGAGGCAAATGCCTAGAGAGATACCAC[G>A]GTTACTCCTGCGATTGCTCTAATACTGCATATGATGGAACATTTTGCAACAAAGGTAAGG-3'
Protein context (NP_054860.1, residues 976-996): NGGKCLERYH[Gly986Ser]YSCDCSNTAY